The following is an entry in ClinVar:

NM_182916.3(TRNT1):c.1066C>T (p.Pro356Ser)

Gene: TRNT1 (tRNA nucleotidyl transferase 1; plus strand). Cytogenetic location: 3p26.2.
Variant type: single nucleotide variant.
Coding change: c.1066C>T on transcript NM_182916.3 (MANE Select); coding-DNA position 1066, C replaced by T.
Protein change: p.Pro356Ser; replaces proline 356 with serine.
Molecular consequence: missense variant. On other transcripts: non-coding transcript variant (8).
Genome position (GRCh38, 1-based): chr3:3,147,915, C>T. VCF-style: chr3-3147915-C-T. GRCh37 (hg19) VCF-style: chr3-3189599-C-T.
Other names: c.1006C>T, p.Pro336Ser (NM_001302946.2); c.1066C>T, p.Pro356Ser (NM_001367321.1, NM_001367322.1, NM_001367323.1 and 1 more transcripts); short protein forms P336S, P356S.
Identifiers: ClinVar variation 662543 (VCV000662543.7), dbSNP rs375726663, ClinGen allele CA2228887.

ClinVar aggregate classification (germline): Conflicting classifications of pathogenicity. Review status: criteria provided, conflicting classifications (1 of 4 stars). 2 submissions from 2 submitters: Uncertain significance (1); Likely benign (1). Last evaluated 2025-10-23.

Conditions:
Congenital sideroblastic anemia-B-cell immunodeficiency-periodic fever-developmental delay syndrome. Also called: Sideroblastic anemia with B-cell immunodeficiency, periodic fevers, and developmental delay. Identifiers: Orphanet 369861, MedGen C4015172, MONDO:0014487, OMIM 616084.
Inborn genetic diseases. Identifiers: MedGen C0950123, MeSH D030342.

Allele frequency attached by ClinVar (database versions not stated): gnomAD exomes below 0.00001 and 0.00002; ExAC 0.00002; gnomAD 0.00006 and 0.00007; ESP Exome Variant Server 0.00008; TOPMed 0.00012.
gnomAD v4.1: 20 of 1,611,812 alleles (0.0012%); highest among the groups gnomAD compares: African/African-American, 0.017%; no homozygotes.

Submissions (2):

Labcorp Genetics (formerly Invitae), Labcorp
Classification: Uncertain significance for Congenital sideroblastic anemia-B-cell immunodeficiency-periodic fever-developmental delay syndrome. Last evaluated: 2025-10-23. Review status: criteria provided, single submitter. Criteria: Invitae Variant Classification Sherloc (09022015). Collection method: clinical testing. Allele origin: germline.
Comment: This sequence change replaces proline, which is neutral and non-polar, with serine, which is neutral and polar, at codon 356 of the TRNT1 protein (p.Pro356Ser). This variant is present in population databases (rs375726663, gnomAD 0.03%). This variant has not been reported in the literature in individuals affected with TRNT1-related conditions. ClinVar contains an entry for this variant (Variation ID: 662543). Invitae Evidence Modeling of protein sequence and biophysical properties (such as structural, functional, and spatial information, amino acid conservation, physicochemical variation, residue mobility, and thermodynamic stability) indicates that this missense variant is not expected to disrupt TRNT1 protein function with a negative predictive value of 80%. In summary, the available evidence is currently insufficient to determine the role of this variant in disease. Therefore, it has been classified as a Variant of Uncertain Significance.

Ambry Genetics
Classification: Likely benign for Inborn genetic diseases. Last evaluated: 2023-08-02. Review status: criteria provided, single submitter. Criteria: Ambry Variant Classification Scheme 2023. Collection method: clinical testing. Allele origin: germline.